The following is an entry in ClinVar:

ClinVar aggregate classification (germline): Uncertain significance (1 of 4 stars; one submission).

Conditions:
Epidermolysis bullosa simplex with nail dystrophy (EBS5D). Identifiers: MedGen C4225309, MONDO:0014661, OMIM 616487.
Epidermolysis bullosa simplex, Ogna type (EBS5A). Also called: Pidermolysis bullosa simplex 5A, Ogna type; EPIDERMOLYSIS BULLOSA SIMPLEX 5A, OGNA TYPE. Identifiers: Orphanet 79401, MedGen C0432317, MONDO:0007555, OMIM 131950.
Autosomal recessive limb-girdle muscular dystrophy type 2Q (LGMDR17). Also called: MUSCULAR DYSTROPHY, LIMB-GIRDLE, AUTOSOMAL RECESSIVE 17. Identifiers: Orphanet 254361, MedGen C3150989, MONDO:0013390, OMIM 613723.
Epidermolysis bullosa simplex 5B, with muscular dystrophy (EBS5B). Also called: EPIDERMOLYSIS BULLOSA SIMPLEX AND LIMB-GIRDLE MUSCULAR DYSTROPHY; Epidermolysis bullosa simplex with muscular dystrophy. Identifiers: Orphanet 257, MedGen C2931072, MONDO:0009181, OMIM 226670.
Epidermolysis bullosa simplex 5C, with pyloric atresia (EBS5C). Also called: PLEC-Related Epidermolysis Bullosa with Pyloric Atresia; Epidermolysis bullosa simplex with pyloric atresia; PLEC1-Related Epidermolysis Bullosa with Pyloric Atresia. Identifiers: Orphanet 158684, MedGen C2677349, MONDO:0012807, OMIM 612138.

Submission:

Labcorp Genetics (formerly Invitae), Labcorp
Classification: Uncertain significance for Autosomal recessive limb-girdle muscular dystrophy type 2Q; Epidermolysis bullosa simplex, Ogna type; Epidermolysis bullosa simplex with nail dystrophy; Epidermolysis bullosa simplex 5C, with pyloric atresia; Epidermolysis bullosa simplex 5B, with muscular dystrophy. Last evaluated: 2023-05-01. Review status: criteria provided, single submitter. Criteria: Invitae Variant Classification Sherloc (09022015). Collection method: clinical testing. Allele origin: germline.
Comment: This sequence change replaces glutamic acid, which is acidic and polar, with aspartic acid, which is acidic and polar, at codon 1404 of the PLEC protein (p.Glu1404Asp). This variant is not present in population databases (gnomAD no frequency). This variant has not been reported in the literature in individuals affected with PLEC-related conditions. Advanced modeling of protein sequence and biophysical properties (such as structural, functional, and spatial information, amino acid conservation, physicochemical variation, residue mobility, and thermodynamic stability) has been performed at Invitae for this missense variant, however the output from this modeling did not meet the statistical confidence thresholds required to predict the impact of this variant on PLEC protein function. In summary, the available evidence is currently insufficient to determine the role of this variant in disease. Therefore, it has been classified as a Variant of Uncertain Significance.

NM_201384.3(PLEC):c.4131G>C (p.Glu1377Asp)

Gene: PLEC (plectin; minus strand). Cytogenetic location: 8q24.3.
Variant type: single nucleotide variant.
Coding change: c.4131G>C on transcript NM_201384.3 (MANE Select); coding-DNA position 4131, G replaced by C.
Protein change: p.Glu1377Asp; replaces glutamic acid 1377 with aspartic acid.
Molecular consequence: missense variant. On other transcripts: intron variant (1).
Genome position (GRCh38, 1-based): chr8:143,925,798, C>G on the plus strand (G>C on the coding strand, the complement: PLEC is on the minus strand). VCF-style: chr8-143925798-C-G. GRCh37 (hg19) VCF-style: chr8-144999966-C-G.
Other names: c.4212G>C, p.Glu1404Asp (NM_000445.5); c.4089G>C, p.Glu1363Asp (NM_201378.4); c.4065G>C, p.Glu1355Asp (NM_201379.3); c.4542G>C, p.Glu1514Asp (NM_201380.4); c.4035G>C, p.Glu1345Asp (NM_201381.3); c.4131G>C, p.Glu1377Asp (NM_201382.4); c.4143G>C, p.Glu1381Asp (NM_201383.3); c.4125+986G>C (NM_001410941.1); short protein forms E1345D, E1377D, E1514D, E1355D, E1404D, E1363D, E1381D.
Identifiers: ClinVar variation 2949938 (VCV002949938.3), dbSNP rs2538107752, ClinGen allele CA372561041.